The following is an entry in ClinVar:

NM_003128.3(SPTBN1):c.4941C>T (p.Thr1647=)

Gene: SPTBN1 (spectrin beta, non-erythrocytic 1; plus strand). Cytogenetic location: 2p16.2.
Variant type: single nucleotide variant.
Coding change: c.4941C>T on transcript NM_003128.3 (MANE Select); coding-DNA position 4941, C replaced by T.
Protein change: p.Thr1647=; no amino-acid change (threonine 1647 retained).
Molecular consequence: synonymous variant.
Genome position (GRCh38, 1-based): chr2:54,647,205, C>T. VCF-style: chr2-54647205-C-T. GRCh37 (hg19) VCF-style: chr2-54874342-C-T.
Other names: c.4902C>T, p.Thr1634= (NM_178313.3); c.4941C>T (NM_003128.2).
Identifiers: ClinVar variation 4955162 (VCV004955162.2).

ClinVar aggregate classification (germline): Likely benign. Review status: criteria provided, multiple submitters, no conflicts (2 of 4 stars). 2 submissions from 2 submitters: Likely benign (2). Last evaluated 2025-05-27.

Conditions:
SPTBN1-related disorder. Also called: SPTBN1-related condition.

gnomAD v4.1: 455 of 1,614,070 alleles (0.028%); highest among the groups gnomAD compares: South Asian, 0.39%; 7 homozygotes.

Submissions (2):

PreventionGenetics, part of Exact Sciences
Classification: Likely benign for SPTBN1-related condition. Last evaluated: 2025-05-27. Review status: criteria provided, single submitter. Criteria: ACMG Guidelines, 2015. Collection method: clinical testing. Allele origin: germline.
Comment: This variant is classified as likely benign based on ACMG/AMP sequence variant interpretation guidelines (Richards et al. 2015 PMID: 25741868, with internal and published modifications).

Blueprint Genetics
Classification: Likely benign. Last evaluated: 2024-09-20. Review status: criteria provided, single submitter. Criteria: ACMG Guidelines, 2015. Collection method: clinical testing. Allele origin: germline.